The following is an entry in ClinVar:

ClinVar aggregate classification (germline): Uncertain significance. Review status: criteria provided, multiple submitters, no conflicts (2 of 4 stars). 2 submissions from 2 submitters: Uncertain significance (2). Last evaluated 2025-12-08.

Conditions:
Inborn genetic diseases. Identifiers: MedGen C0950123, MeSH D030342.

Allele frequency attached by ClinVar (database versions not stated): ExAC 0.00001; gnomAD 0.00001; gnomAD exomes 0.00001; TOPMed 0.00002.
gnomAD v4.1: 34 of 1,607,582 alleles (0.0021%); highest among the groups gnomAD compares: East Asian, 0.0045%; no homozygotes.

Submissions (2):

Labcorp Genetics (formerly Invitae), Labcorp
Classification: Uncertain significance. Last evaluated: 2025-12-08. Review status: criteria provided, single submitter. Criteria: Invitae Variant Classification Sherloc (09022015). Collection method: clinical testing. Allele origin: germline.
Comment: This sequence change replaces alanine, which is neutral and non-polar, with valine, which is neutral and non-polar, at codon 628 of the TSPEAR protein (p.Ala628Val). The frequency data for this variant in the population databases is considered unreliable, as metrics indicate poor data quality at this position in the gnomAD database. This variant has not been reported in the literature in individuals affected with TSPEAR-related conditions. ClinVar contains an entry for this variant (Variation ID: 1500176). Invitae Evidence Modeling of protein sequence and biophysical properties (such as structural, functional, and spatial information, amino acid conservation, physicochemical variation, residue mobility, and thermodynamic stability) indicates that this missense variant is not expected to disrupt TSPEAR protein function with a negative predictive value of 80%. In summary, the available evidence is currently insufficient to determine the role of this variant in disease. Therefore, it has been classified as a Variant of Uncertain Significance.

Ambry Genetics
Classification: Uncertain significance for Inborn genetic diseases. Last evaluated: 2025-08-31. Review status: criteria provided, single submitter. Criteria: Ambry Variant Classification Scheme 2023. Collection method: clinical testing. Allele origin: germline.

NM_144991.3(TSPEAR):c.1883C>T (p.Ala628Val)

Gene: TSPEAR (thrombospondin type laminin G domain and EAR repeats; minus strand). Cytogenetic location: 21q22.3.
Variant type: single nucleotide variant.
Coding change: c.1883C>T on transcript NM_144991.3 (MANE Select); coding-DNA position 1883, C replaced by T.
Protein change: p.Ala628Val; replaces alanine 628 with valine.
Molecular consequence: missense variant.
Genome position (GRCh38, 1-based): chr21:44,499,910, G>A on the plus strand (C>T on the coding strand, the complement: TSPEAR is on the minus strand). VCF-style: chr21-44499910-G-A. GRCh37 (hg19) VCF-style: chr21-45919793-G-A.
Other names: c.1679C>T, p.Ala560Val (NM_001272037.2); c.1883C>T (NM_144991.2); short protein forms A560V, A628V.
Identifiers: ClinVar variation 1500176 (VCV001500176.9), dbSNP rs781833267, ClinGen allele CA10056270.